The following is an entry in ClinVar:

NM_000419.5(ITGA2B):c.551G>T (p.Arg184Leu)

Gene: ITGA2B (integrin subunit alpha 2b; minus strand). Cytogenetic location: 17q21.31.
Variant type: single nucleotide variant.
Coding change: c.551G>T on transcript NM_000419.5 (MANE Select); coding-DNA position 551, G replaced by T.
Protein change: p.Arg184Leu; replaces arginine 184 with leucine.
Molecular consequence: missense variant.
Genome position (GRCh38, 1-based): chr17:44,385,574, C>A on the plus strand (G>T on the coding strand, the complement: ITGA2B is on the minus strand). VCF-style: chr17-44385574-C-A. GRCh37 (hg19) VCF-style: chr17-42462942-C-A.
Other names: short protein forms R184L.
Identifiers: ClinVar variation 3609063 (VCV003609063.2).

ClinVar aggregate classification (germline): Uncertain significance (1 of 4 stars; one submission).

Conditions:
Glanzmann thrombasthenia. Also called: BLEEDING DISORDER, PLATELET-TYPE, 2; THROMBASTHENIA OF GLANZMANN AND NAEGELI; Thrombasthenia; Glanzmann's thrombasthenia; PLATELET GLYCOPROTEIN IIb-IIIa DEFICIENCY. Identifiers: Orphanet 849, MedGen C0040015, MONDO:0100326.

Submission:

Labcorp Genetics (formerly Invitae), Labcorp
Classification: Uncertain significance for Glanzmann thrombasthenia. Last evaluated: 2024-08-23. Review status: criteria provided, single submitter. Criteria: Invitae Variant Classification Sherloc (09022015). Collection method: clinical testing. Allele origin: germline.
Comment: This sequence change replaces arginine, which is basic and polar, with leucine, which is neutral and non-polar, at codon 184 of the ITGA2B protein (p.Arg184Leu). This variant is not present in population databases (gnomAD no frequency). This variant has not been reported in the literature in individuals affected with ITGA2B-related conditions. An algorithm developed to predict the effect of missense changes on protein structure and function (PolyPhen-2) suggests that this variant is likely to be tolerated. In summary, the available evidence is currently insufficient to determine the role of this variant in disease. Therefore, it has been classified as a Variant of Uncertain Significance.